The following is an entry in ClinVar:

NM_002232.5(KCNA3):c.1553C>T (p.Ala518Val)

Gene: KCNA3 (potassium voltage-gated channel subfamily A member 3; minus strand). Cytogenetic location: 1p13.3.
Variant type: single nucleotide variant.
Coding change: c.1553C>T on transcript NM_002232.5 (MANE Select); coding-DNA position 1553, C replaced by T.
Protein change: p.Ala518Val; replaces alanine 518 with valine.
Molecular consequence: missense variant. On other transcripts: non-coding transcript variant (1).
Genome position (GRCh38, 1-based): chr1:110,673,257, G>A on the plus strand (C>T on the coding strand, the complement: KCNA3 is on the minus strand). VCF-style: chr1-110673257-G-A. GRCh37 (hg19) VCF-style: chr1-111215879-G-A.
Other names: short protein forms A518V.
Identifiers: ClinVar variation 4855056 (VCV004855056.1).

ClinVar aggregate classification (germline): Uncertain significance (1 of 4 stars; one submission).

Conditions:
KCNA3-related disorder. Also called: KCNA3-related condition.

Submission:

3billion
Classification: Uncertain significance for KCNA3-related disorder. Last evaluated: 2025-06-02. Review status: criteria provided, single submitter. Criteria: ACMG Guidelines, 2015. Collection method: clinical testing. Allele origin: germline. Affected: yes.
Comment: The variant is not observed in the gnomAD v4.1.0 dataset. Predicted Consequence/Location: Missense variant. Missense changes are a common disease-causing mechanism. Damaging effect on gene or gene product predicted by in silico programs is uncertain [REVEL: 0.41 (damaging >=0.6, benign <0.4), 3Cnet: 0.06 (damaging >0.75, benign <0.1)]. Therefore, this variant is classified as VUS according to the recommendation of ACMG/AMP guideline.